The following is an entry in ClinVar:

NM_001371928.1(AHDC1):c.4449G>A (p.Val1483=)

Gene: AHDC1 (AT-hook DNA binding motif containing 1; minus strand). Cytogenetic location: 1p36.11.
Variant type: single nucleotide variant.
Coding change: c.4449G>A on transcript NM_001371928.1 (MANE Select); coding-DNA position 4449, G replaced by A.
Protein change: p.Val1483=; no amino-acid change (valine 1483 retained).
Molecular consequence: synonymous variant.
Genome position (GRCh38, 1-based): chr1:27,547,667, C>T on the plus strand (G>A on the coding strand, the complement: AHDC1 is on the minus strand). VCF-style: chr1-27547667-C-T. GRCh37 (hg19) VCF-style: chr1-27874178-C-T.
Other names: c.405G>A, p.Val135= (NM_015699.1); c.4449G>A, p.Val1483= (NM_001029882.3).
Identifiers: ClinVar variation 2981953 (VCV002981953.4), dbSNP rs563340018, ClinGen allele CA715361.

ClinVar aggregate classification (germline): Uncertain significance. Review status: criteria provided, multiple submitters, no conflicts (2 of 4 stars). 2 submissions from 2 submitters: Uncertain significance (2). Last evaluated 2026-06-03.

Conditions:
AHDC1-related disorder. Also called: AHDC1-related condition.

Allele frequency attached by ClinVar (database versions not stated): gnomAD exomes below 0.00001; ExAC 0.00001; gnomAD 0.00001; TOPMed 0.00001; 1000 Genomes Project 30x 0.00016; 1000 Genomes Project 0.00020.
gnomAD v4.1: 7 of 1,595,798 alleles (0.00044%); highest among the groups gnomAD compares: East Asian, 0.0068%; no homozygotes.

Submissions (2):

PreventionGenetics, part of Exact Sciences
Classification: Uncertain significance for AHDC1-related condition. Last evaluated: 2026-06-03. Review status: criteria provided, single submitter. Criteria: ACMG Guidelines, 2015. Collection method: clinical testing. Allele origin: germline.
Comment: The AHDC1 c.4449G>A variant is not predicted to result in an amino acid change (p.=). Based on one available splicing prediction program (SpliceAI, Jaganathan et al. 2019. PubMed ID: 30661751), this variant is predicted to create a cryptic splice donor site; however, the use of computer prediction programs is not equivalent to functional evidence. To our knowledge, this variant has not been reported in the literature. This variant is reported in 0.0060% of alleles in individuals of East Asian descent in gnomAD. At this time, the clinical significance of this variant is uncertain due to the absence of conclusive functional and genetic evidence.

Labcorp Genetics (formerly Invitae), Labcorp
Classification: Uncertain significance. Last evaluated: 2022-11-24. Review status: criteria provided, single submitter. Criteria: Invitae Variant Classification Sherloc (09022015). Collection method: clinical testing. Allele origin: germline.
Comment: In summary, the available evidence is currently insufficient to determine the role of this variant in disease. Therefore, it has been classified as a Variant of Uncertain Significance. Algorithms developed to predict the effect of sequence changes on RNA splicing suggest that this variant may create or strengthen a splice site. This variant has not been reported in the literature in individuals affected with AHDC1-related conditions. The frequency data for this variant in the population databases is considered unreliable, as metrics indicate poor data quality at this position in the gnomAD database. This sequence change affects codon 1483 of the AHDC1 mRNA. It is a 'silent' change, meaning that it does not change the encoded amino acid sequence of the AHDC1 protein.